The following is an entry in ClinVar:

NM_002949.4(MRPL12):c.218G>A (p.Ser73Asn)

Gene: MRPL12 (mitochondrial ribosomal protein L12; plus strand). Cytogenetic location: 17q25.3.
Variant type: single nucleotide variant.
Coding change: c.218G>A on transcript NM_002949.4 (MANE Select); coding-DNA position 218, G replaced by A.
Protein change: p.Ser73Asn; replaces serine 73 with asparagine.
Molecular consequence: missense variant.
Genome position (GRCh38, 1-based): chr17:81,704,387, G>A. VCF-style: chr17-81704387-G-A. GRCh37 (hg19) VCF-style: chr17-79671417-G-A.
Other names: c.218G>A (NM_002949.3); short protein forms S73N.
Identifiers: ClinVar variation 2906724 (VCV002906724.4), dbSNP rs143140143, ClinGen allele CA8841285.

ClinVar aggregate classification (germline): Uncertain significance. Review status: criteria provided, multiple submitters, no conflicts (2 of 4 stars). 2 submissions from 2 submitters: Uncertain significance (2). Last evaluated 2025-08-11.

Allele frequency attached by ClinVar (database versions not stated): gnomAD 0.00001; TOPMed 0.00002; ExAC 0.00002; ESP Exome Variant Server 0.00008.
gnomAD v4.1: 128 of 1,613,468 alleles (0.0079%); highest among the groups gnomAD compares: Non-Finnish European, 0.011%; no homozygotes.

Submissions (2):

Labcorp Genetics (formerly Invitae), Labcorp
Classification: Uncertain significance. Last evaluated: 2025-08-11. Review status: criteria provided, single submitter. Criteria: Invitae Variant Classification Sherloc (09022015). Collection method: clinical testing. Allele origin: germline.
Comment: This sequence change replaces serine, which is neutral and polar, with asparagine, which is neutral and polar, at codon 73 of the MRPL12 protein (p.Ser73Asn). This variant is present in population databases (rs143140143, gnomAD 0.006%). This variant has not been reported in the literature in individuals affected with MRPL12-related conditions. ClinVar contains an entry for this variant (Variation ID: 2906724). An algorithm developed to predict the effect of missense changes on protein structure and function (PolyPhen-2) suggests that this variant is likely to be tolerated. In summary, the available evidence is currently insufficient to determine the role of this variant in disease. Therefore, it has been classified as a Variant of Uncertain Significance.

Ambry Genetics
Classification: Uncertain significance. Last evaluated: 2024-10-09. Review status: criteria provided, single submitter. Criteria: Ambry Variant Classification Scheme 2023. Collection method: clinical testing. Allele origin: germline.